The following is an entry in ClinVar:

NM_000238.4(KCNH2):c.2410A>G (p.Ile804Val)

Gene: KCNH2 (potassium voltage-gated channel subfamily H member 2; minus strand). Cytogenetic location: 7q36.1.
Variant type: single nucleotide variant.
Coding change: c.2410A>G on transcript NM_000238.4 (MANE Select); coding-DNA position 2410, A replaced by G.
Protein change: p.Ile804Val; replaces isoleucine 804 with valine.
Molecular consequence: missense variant.
Genome position (GRCh38, 1-based): chr7:150,949,038, T>C on the plus strand (A>G on the coding strand, the complement: KCNH2 is on the minus strand). VCF-style: chr7-150949038-T-C. GRCh37 (hg19) VCF-style: chr7-150646126-T-C.
Other names: c.2122A>G, p.Ile708Val (NM_001406753.1); c.1390A>G, p.Ile464Val (NM_172057.3); short protein forms I708V, I804V, I464V.
Identifiers: ClinVar variation 1790883 (VCV001790883.2), dbSNP rs1801033415, ClinGen allele CA369855379.
Genomic context (GRCh38, chr7:150,949,038, plus strand): 5'-CCCGCACATCCCCGTTCGACTTGCCAGGCCTTGCATACAGGTTCAGAGGCTCCCCAAAGA[T>C]GTCATTCTTCCCTGGAGGCCATGGAGAGGACAGGGAGCTCAGCCCCGGGGGGCGGCATCC-3'
Protein context (NP_000229.1, residues 794-814): VVVAILGKND[Ile804Val]FGEPLNLYAR

ClinVar aggregate classification (germline): Uncertain significance (1 of 4 stars; one submission).

Conditions:
Cardiovascular phenotype. Identifiers: MedGen CN230736.

Allele frequency attached by ClinVar (database versions not stated): TOPMed below 0.00001; gnomAD exomes below 0.00001.
gnomAD v4.1: 2 of 1,614,072 alleles (0.00012%); highest among the groups gnomAD compares: Non-Finnish European, 0.00017%; no homozygotes.

Submission:

Ambry Genetics
Classification: Uncertain significance for Cardiovascular phenotype. Last evaluated: 2021-05-20. Review status: criteria provided, single submitter. Criteria: Ambry Variant Classification Scheme 2023. Collection method: clinical testing. Allele origin: germline.
Comment: The p.I804V variant (also known as c.2410A>G), located in coding exon 10 of the KCNH2 gene, results from an A to G substitution at nucleotide position 2410. The isoleucine at codon 804 is replaced by valine, an amino acid with highly similar properties, and is located in the cytoplasmic cyclic nucleotide binding region. This amino acid position is highly conserved in available vertebrate species. In addition, the in silico prediction for this alteration is inconclusive. Since supporting evidence is limited at this time, the clinical significance of this alteration remains unclear.